The following is an entry in ClinVar:

ClinVar aggregate classification (germline): Likely pathogenic (1 of 4 stars; one submission).

Conditions:
Autosomal recessive nonsyndromic hearing loss 3. Also called: NEUROSENSORY NONSYNDROMIC RECESSIVE DEAFNESS 3. Identifiers: Orphanet 90636, MedGen C1838263, MONDO:0010860, OMIM 600316.

Submission:

Institute of Rare Diseases, West China Hospital, Sichuan University
Classification: Likely pathogenic for Autosomal recessive nonsyndromic hearing loss 3. Last evaluated: 2025-01-09. Review status: criteria provided, single submitter. Criteria: ClinGen HL ACMG Specifications v1. Collection method: research. Allele origin: germline. Affected: yes.
Comment: PM3;PM5;PM2_Supporting;PP3

NM_016239.4(MYO15A):c.4194G>C (p.Arg1398Ser)

Gene: MYO15A (myosin XVA; plus strand). Cytogenetic location: 17p11.2.
Variant type: single nucleotide variant.
Coding change: c.4194G>C on transcript NM_016239.4 (MANE Select); coding-DNA position 4194, G replaced by C.
Protein change: p.Arg1398Ser; replaces arginine 1398 with serine.
Molecular consequence: missense variant.
Genome position (GRCh38, 1-based): chr17:18,131,519, G>C. VCF-style: chr17-18131519-G-C. GRCh37 (hg19) VCF-style: chr17-18034833-G-C.
Other names: short protein forms R1398S.
Identifiers: ClinVar variation 3601332 (VCV003601332.1).
Genomic context (GRCh38, chr17:18,131,519, plus strand): 5'-CCACCCCAGGGGCGTGATCTCTGGTGCCATAACCTCCCAGTACCTGCTTGAGAAATCCAG[G>C]ATCGTGTTTCAGGTGGGCCACCCCCTCCCAGGCCTCTGTGTTGGGCAGGGTCGGGGTGGG-3'
Protein context (NP_057323.3, residues 1388-1408): ITSQYLLEKS[Arg1398Ser]IVFQAKNERN